The following is an entry in ClinVar:

ClinVar aggregate classification (germline): Conflicting classifications of pathogenicity. Review status: criteria provided, conflicting classifications (1 of 4 stars). 3 submissions from 3 submitters: Uncertain significance (2); Likely benign (1). Last evaluated 2026-02-06.

Conditions:
Hereditary cancer-predisposing syndrome. Also called: Neoplastic Syndromes, Hereditary; Tumor predisposition; Hereditary neoplastic syndrome; Hereditary Cancer Syndrome. Identifiers: Orphanet 140162, MedGen C0027672, MeSH D009386, MONDO:0015356.
Mitochondrial complex II deficiency, nuclear type 1. Also called: SUCCINATE CoQ REDUCTASE DEFICIENCY. Identifiers: Orphanet 3208, MedGen C5700310, MONDO:0100294, OMIM 252011.
Pheochromocytoma/paraganglioma syndrome 5. Also called: Paragangliomas 5; SDHA-Related Hereditary Paraganglioma-Pheochromocytoma Syndrome. Identifiers: Orphanet 29072, MedGen C3279992, MONDO:0013602, OMIM 614165.
Dilated cardiomyopathy 1GG (CMD1GG). Identifiers: Orphanet 154, MedGen C3150898, MONDO:0013339, OMIM 613642.
Neurodegeneration with ataxia and late-onset optic atrophy. Identifiers: MedGen C5543254, MONDO:0031006, OMIM 619259.

Allele frequency attached by ClinVar (database versions not stated): ExAC 0.00003.
gnomAD v4.1: 2 of 1,456,368 alleles (0.00014%); highest among the groups gnomAD compares: Non-Finnish European, 0.00018%; no homozygotes.

Submissions (3):

Ambry Genetics
Classification: Likely benign for Hereditary cancer-predisposing syndrome. Last evaluated: 2026-02-06. Review status: criteria provided, single submitter. Criteria: Ambry Variant Classification Scheme 2023. Collection method: clinical testing. Allele origin: germline.

Labcorp Genetics (formerly Invitae), Labcorp
Classification: Uncertain significance for Pheochromocytoma/paraganglioma syndrome 5; Mitochondrial complex II deficiency, nuclear type 1. Last evaluated: 2023-05-25. Review status: criteria provided, single submitter. Criteria: Invitae Variant Classification Sherloc (09022015). Collection method: clinical testing. Allele origin: germline.
Comment: This sequence change replaces arginine, which is basic and polar, with glutamine, which is neutral and polar, at codon 5 of the SDHA protein (p.Arg5Gln). The frequency data for this variant in the population databases is considered unreliable, as metrics indicate poor data quality at this position in the gnomAD database. In summary, the available evidence is currently insufficient to determine the role of this variant in disease. Therefore, it has been classified as a Variant of Uncertain Significance. Advanced modeling of protein sequence and biophysical properties (such as structural, functional, and spatial information, amino acid conservation, physicochemical variation, residue mobility, and thermodynamic stability) performed at Invitae indicates that this missense variant is not expected to disrupt SDHA protein function. ClinVar contains an entry for this variant (Variation ID: 570408). This variant has not been reported in the literature in individuals affected with SDHA-related conditions.

Fulgent Genetics
Classification: Uncertain significance for Mitochondrial complex II deficiency, nuclear type 1; Dilated cardiomyopathy 1GG; Pheochromocytoma/paraganglioma syndrome 5; Neurodegeneration with ataxia and late-onset optic atrophy. Last evaluated: 2021-11-09. Review status: criteria provided, single submitter. Criteria: ACMG Guidelines, 2015. Collection method: clinical testing. Allele origin: unknown.

NM_004168.4(SDHA):c.14G>A (p.Arg5Gln)

Gene: SDHA (succinate dehydrogenase complex flavoprotein subunit A; plus strand). Cytogenetic location: 5p15.33.
Variant type: single nucleotide variant.
Coding change: c.14G>A on transcript NM_004168.4 (MANE Select); coding-DNA position 14, G replaced by A.
Protein change: p.Arg5Gln; replaces arginine 5 with glutamine.
Molecular consequence: missense variant.
Genome position (GRCh38, 1-based): chr5:218,369, G>A. VCF-style: chr5-218369-G-A. GRCh37 (hg19) VCF-style: chr5-218484-G-A.
Other names: c.14G>A, p.Arg5Gln (NM_001294332.2, NM_001330758.2); short protein forms R5Q.
Identifiers: ClinVar variation 570408 (VCV000570408.15), dbSNP rs779027774, ClinGen allele CA3172683.
Genomic context (GRCh38, chr5:218,369, plus strand): 5'-GCAGTCTGCGCAGGGACTGGCGGGACTGCGCGGCGGCAACAGCAGACATGTCGGGGGTCC[G>A]GGGCCTGTCGCGGCTGCTGAGCGCTCGGCGCCTGGCGCTGGCCAAGGCGGTGAGTCCGTG-3'
Protein context (NP_004159.2, residues 1-15): MSGV[Arg5Gln]GLSRLLSARR